The following is an entry in ClinVar:

NM_000171.4(GLRA1):c.920A>C (p.Tyr307Ser)

Gene: GLRA1 (glycine receptor alpha 1; minus strand). Cytogenetic location: 5q33.1.
Variant type: single nucleotide variant.
Coding change: c.920A>C on transcript NM_000171.4 (MANE Select); coding-DNA position 920, A replaced by C.
Protein change: p.Tyr307Ser; replaces tyrosine 307 with serine.
Molecular consequence: missense variant.
Genome position (GRCh38, 1-based): chr5:151,829,060, T>G on the plus strand (A>C on the coding strand, the complement: GLRA1 is on the minus strand). VCF-style: chr5-151829060-T-G. GRCh37 (hg19) VCF-style: chr5-151208621-T-G.
Other names: A1216C; c.920A>C, p.Tyr307Ser (NM_001146040.2); c.671A>C, p.Tyr224Ser (NM_001292000.2); short protein forms Y307S, Y224S.
Identifiers: ClinVar variation 38334 (VCV000038334.3), dbSNP rs121918410, ClinGen allele CA342962.
Genomic context (GRCh38, chr5:151,829,060, plus strand): 5'-AATAGGGCTGAGAACACAAAGAGCAGGCAAACTGCCATCCAAATGTCAATGGCTTTCACA[T>G]AGGACACCTAGAGTGGGGGTGGAGGAGAAACAGGGAGGTGAAAGCAGGGGAATGTAAAAC-3'
Protein context (NP_000162.2, residues 297-317): GSRASLPKVS[Tyr307Ser]VKAIDIWMAV

ClinVar aggregate classification (germline): Pathogenic (0 of 4 stars; one submission).

Conditions:
Hyperekplexia 1 (STHE). Also called: STARTLE DISEASE, FAMILIAL; STIFF-BABY SYNDROME; STIFF-MAN SYNDROME, CONGENITAL; STIFF-PERSON SYNDROME, CONGENITAL; EXAGGERATED STARTLE REACTION; KOK DISEASE. Identifiers: Orphanet 3197, MedGen C4551954, MONDO:0007868, OMIM 149400.

Submission:

GeneReviews
Classification: Pathogenic for Hyperekplexia. Last evaluated: 2012-10-04. Review status: no assertion criteria provided. Collection method: curation. Allele origin: unknown.
ClinVar note: Converted during submission from pathologic to Pathogenic.